The following is an entry in ClinVar:

ClinVar aggregate classification (germline): Uncertain significance (1 of 4 stars; one submission).

Conditions:
Inborn genetic diseases. Identifiers: MedGen C0950123, MeSH D030342.

Submission:

Ambry Genetics
Classification: Uncertain significance for Inborn genetic diseases. Last evaluated: 2020-04-14. Review status: criteria provided, single submitter. Criteria: Ambry Variant Classification Scheme 2023. Collection method: clinical testing. Allele origin: germline.
Comment: The alteration results in an amino acid change:_x000D_ _x000D_ The c.2302A>C (p.N768H) alteration is located in coding exon 14 of the GRIA2 gene. This alteration results from an A to C substitution at nucleotide position 2302, causing the asparagine (N) at amino acid position 768 to be replaced by a histidine (H). This alteration is located in the flip/flop (NM_001083619/NM_000826) alternatively spliced exon 14. In the mouse Gria2 gene, Li et al. (2016) found a significant splicing shift in the flip/flop exon toward the flop inclusion, leading to faster decay in the AMPA receptor current and altered synaptic transmission. The alteration is not observed in population databases: _x000D_ _x000D_ Based on data from the Genome Aggregation Database (gnomAD), the GRIA2 c.2302A>C alteration was not observed, with coverage at this position. The altered amino acid is conserved throughout evolution:_x000D_ _x000D_ The p.N768 amino acid is conserved in available vertebrate species. The alteration is predicted tolerated by in silico modeling:_x000D_ _x000D_ The p.N768H alteration is predicted to be tolerated by in silico analysis. Based on insufficient or conflicting evidence, the clinical significance of this alteration remains unclear.

Literature cited by the submitters: PubMed 27352031; PubMed 31300657.

NM_001083619.3(GRIA2):c.2406+424A>C

Gene: GRIA2 (glutamate ionotropic receptor AMPA type subunit 2; plus strand). Cytogenetic location: 4q32.1.
Variant type: single nucleotide variant.
Coding change: c.2406+424A>C on transcript NM_001083619.3 (MANE Select); 424 bases into the intron after coding-DNA position 2406, A replaced by C.
Molecular consequence: intron variant. On other transcripts: missense variant (3).
Genome position (GRCh38, 1-based): chr4:157,361,548, A>C. VCF-style: chr4-157361548-A-C. GRCh37 (hg19) VCF-style: chr4-158282700-A-C.
Other names: c.2302A>C, p.Asn768His (NM_000826.6); c.2161A>C, p.Asn721His (NM_001083620.3, NM_001379001.3); c.2265+424A>C (NM_001379000.3); short protein forms N768H, N721H.
Identifiers: ClinVar variation 2225283 (VCV002225283.2), dbSNP rs2530859854, ClinGen allele CA358650634.